The following is an entry in ClinVar:

ClinVar aggregate classification (germline): Conflicting classifications of pathogenicity. Review status: criteria provided, conflicting classifications (1 of 4 stars). 7 submissions from 5 submitters: Uncertain significance (1); Likely benign (3). 3 of the submissions do not count toward it. Last evaluated 2023-05-15.

Conditions:
FACTOR VII-ACTIVATING PROTEASE MARBURG I POLYMORPHISM.
Thyroid cancer, nonmedullary, 5 (NMTC5). Identifiers: MedGen C4225292, MONDO:0014682, OMIM 616535.
THYROID CANCER, NONMEDULLARY, 5, SUSCEPTIBILITY TO.
Factor VII-activating protease marburg I. Identifiers: MedGen CN068943.
Venous thromboembolism, susceptibility to. Identifiers: MedGen C1858965.

Allele frequency attached by ClinVar (database versions not stated): 1000 Genomes Project 0.00819; 1000 Genomes Project 30x 0.00843; TOPMed 0.02143; ExAC 0.02223; gnomAD exomes 0.02232 and 0.03527; gnomAD 0.02322 and 0.02383.
gnomAD v4.1: 54,666 of 1,613,420 alleles (3.4%); highest among the groups gnomAD compares: Non-Finnish European, 4.1%; 1,123 homozygotes.

Submissions (7):

Department of Pathology and Laboratory Medicine, Sinai Health System
Classification: Uncertain significance for Thyroid cancer, nonmedullary, 5. Last evaluated: 2023-05-15. Review status: criteria provided, single submitter. Criteria: ACMG Guidelines, 2015. Collection method: research. Allele origin: germline.

GeneDx
Classification: Likely benign. Last evaluated: 2021-03-19. Review status: criteria provided, single submitter. Criteria: GeneDx Variant Classification Process June 2021. Collection method: clinical testing. Allele origin: germline. Affected: yes.
Comment: This variant is associated with the following publications: (PMID: 21789270, 26691890, 22421107, 27873212, 22906531, 26222560, 28089742, 17145954, 26745718, 19105210, 26832773, 12578864, 28222214, 28418605, 28884020, 28402931, 30070759, 32162184, 33025555, 33488516)

Illumina Laboratory Services, Illumina
Classification: Likely benign for Factor VII Marburg I Variant Thrombophilia. Last evaluated: 2018-03-06. Review status: criteria provided, single submitter. Criteria: ICSL Variant Classification Criteria 13 December 2019. Collection method: clinical testing. Allele origin: germline.
Comment: This variant was observed in the ICSL laboratory as part of a predisposition screen in an ostensibly healthy population. It had not been previously curated by ICSL or reported in the Human Gene Mutation Database (HGMD: prior to June 1st, 2018), and was therefore a candidate for classification through an automated scoring system. Utilizing variant allele frequency, disease prevalence and penetrance estimates, and inheritance mode, an automated score was calculated to assess if this variant is too frequent to cause the disease. Based on the score and internal cut-off values, a variant classified as likely benign is not then subjected to further curation. The score for this variant resulted in a classification of likely benign for this disease.

Breakthrough Genomics
Classification: Likely benign. Review status: criteria provided, single submitter. Criteria: ACMG Guidelines, 2015. Collection method: not provided. Allele origin: germline. Inheritance: Autosomal dominant inheritance. Affected: yes.

OMIM
Classification: Benign for FACTOR VII-ACTIVATING PROTEASE MARBURG I POLYMORPHISM. Last evaluated: 2015-11-19. Review status: no assertion criteria provided. Collection method: literature only. Allele origin: germline. Not counted in ClinVar's aggregate classification.

OMIM
Classification: risk factor for VENOUS THROMBOEMBOLISM, SUSCEPTIBILITY TO. Last evaluated: 2015-11-19. Review status: no assertion criteria provided. Collection method: literature only. Allele origin: germline. Not counted in ClinVar's aggregate classification.

OMIM
Classification: risk factor for THYROID CANCER, NONMEDULLARY, 5, SUSCEPTIBILITY TO. Last evaluated: 2015-11-19. Review status: no assertion criteria provided. Collection method: literature only. Allele origin: germline. Not counted in ClinVar's aggregate classification.

Literature cited by the submitters: PubMed 26222560 (cited by OMIM); PubMed 26581003 (cited by OMIM); PubMed 26581004 (cited by OMIM); PubMed 26581005 (cited by OMIM); PubMed 26581001 (cited by OMIM); PubMed 26581002 (cited by OMIM); PubMed 12138371 (cited by OMIM); PubMed 12578864 (cited by OMIM); PubMed 15486068 (cited by OMIM).

NM_004132.5(HABP2):c.1601G>A (p.Gly534Glu)

Gene: HABP2 (hyaluronan binding protein 2; plus strand). Cytogenetic location: 10q25.3.
Variant type: single nucleotide variant.
Coding change: c.1601G>A on transcript NM_004132.5 (MANE Select); coding-DNA position 1601, G replaced by A.
Protein change: p.Gly534Glu; replaces glycine 534 with glutamic acid.
Molecular consequence: missense variant.
Genome position (GRCh38, 1-based): chr10:113,588,287, G>A. VCF-style: chr10-113588287-G-A. GRCh37 (hg19) VCF-style: chr10-115348046-G-A.
Other names: c.1523G>A, p.Gly508Glu (NM_001177660.3); short protein forms G534E, G508E.
Identifiers: ClinVar variation 5974 (VCV000005974.9), dbSNP rs7080536, ClinGen allele CA211167.
Genomic context (GRCh38, chr10:113,588,287, plus strand): 5'-CCTGTGAGAAGGACGGCACCTACTACGTCTATGGGATAGTGAGCTGGGGCCTGGAGTGTG[G>A]GAAGAGGCCAGGGGTCTACACCCAAGTTACCAAATTCCTGAATTGGATCAAAGCCACCAT-3'
Protein context (NP_004123.1, residues 524-544): YGIVSWGLEC[Gly534Glu]KRPGVYTQVT